The following is an entry in ClinVar:

NM_004839.4(HOMER2):c.622C>T (p.Arg208Cys)

Gene: HOMER2 (homer scaffold protein 2; minus strand). Cytogenetic location: 15q25.2.
Variant type: single nucleotide variant.
Coding change: c.622C>T on transcript NM_004839.4 (MANE Select); coding-DNA position 622, C replaced by T.
Protein change: p.Arg208Cys; replaces arginine 208 with cysteine.
Molecular consequence: missense variant.
Genome position (GRCh38, 1-based): chr15:82,854,673, G>A on the plus strand (C>T on the coding strand, the complement: HOMER2 is on the minus strand). VCF-style: chr15-82854673-G-A. GRCh37 (hg19) VCF-style: chr15-83523425-G-A.
Other names: c.655C>T, p.Arg219Cys (NM_199330.3); short protein forms R219C, R208C.
Identifiers: ClinVar variation 3858303 (VCV003858303.3).

ClinVar aggregate classification (germline): Uncertain significance. Review status: criteria provided, multiple submitters, no conflicts (2 of 4 stars). 2 submissions from 2 submitters: Uncertain significance (2). Last evaluated 2026-09-30.

Conditions:
Inborn genetic diseases. Identifiers: MedGen C0950123, MeSH D030342.

gnomAD v4.1: 25 of 1,612,826 alleles (0.0016%); highest among the groups gnomAD compares: Admixed American, 0.0067%; no homozygotes.

Submissions (2):

GeneDx
Classification: Uncertain significance. Last evaluated: 2026-09-30. Review status: criteria provided, single submitter. Criteria: GeneDx Variant Classification Process June 2021. Collection method: clinical testing. Allele origin: germline.
Comment: In silico analysis supports that this missense variant has a deleterious effect on protein structure/function; Has not been previously published as pathogenic or benign to our knowledge

Ambry Genetics
Classification: Uncertain significance for Inborn genetic diseases. Last evaluated: 2025-02-14. Review status: criteria provided, single submitter. Criteria: Ambry Variant Classification Scheme 2023. Collection method: clinical testing. Allele origin: germline.